The following is an entry in ClinVar:

ClinVar aggregate classification (germline): Uncertain significance (1 of 4 stars; one submission).

Conditions:
Loeys-Dietz syndrome 2 (LDS2). Also called: TGFBR2-Related Loeys-Dietz Syndrome; Marfan syndrome, type 2 (formerly); AORTIC ANEURYSM, FAMILIAL THORACIC 3; MARFAN SYNDROME, TYPE II; Marfan Syndrome type 2; Marfan like connective tissue disorder. Identifiers: Orphanet 284973, Orphanet 558, MedGen C2674574, MONDO:0012427, OMIM 610168.

Allele frequency attached by ClinVar (database versions not stated): gnomAD exomes 0.00001.
gnomAD v4.1: 4 of 1,614,202 alleles (0.00025%); highest among the groups gnomAD compares: Non-Finnish European, 0.00034%; no homozygotes.

Submission:

Labcorp Genetics (formerly Invitae), Labcorp
Classification: Uncertain significance for Loeys-Dietz syndrome 2. Last evaluated: 2023-12-22. Review status: criteria provided, single submitter. Criteria: Invitae Variant Classification Sherloc (09022015). Collection method: clinical testing. Allele origin: germline.
Comment: This sequence change replaces lysine, which is basic and polar, with asparagine, which is neutral and polar, at codon 192 of the TMPO protein (p.Lys192Asn). This variant is not present in population databases (gnomAD no frequency). This variant has not been reported in the literature in individuals affected with TMPO-related conditions. Advanced modeling of protein sequence and biophysical properties (such as structural, functional, and spatial information, amino acid conservation, physicochemical variation, residue mobility, and thermodynamic stability) performed at Invitae indicates that this missense variant is not expected to disrupt TMPO protein function with a negative predictive value of 80%. In summary, the available evidence is currently insufficient to determine the role of this variant in disease. Therefore, it has been classified as a Variant of Uncertain Significance.

NM_001032283.3(TMPO):c.565+995A>C

Gene: TMPO (thymopoietin; plus strand). Cytogenetic location: 12q23.1.
Variant type: single nucleotide variant.
Coding change: c.565+995A>C on transcript NM_001032283.3 (MANE Select); 995 bases into the intron after coding-DNA position 565, A replaced by C.
Molecular consequence: intron variant. On other transcripts: missense variant (1).
Genome position (GRCh38, 1-based): chr12:98,532,833, A>C. VCF-style: chr12-98532833-A-C. GRCh37 (hg19) VCF-style: chr12-98926611-A-C.
Other names: c.576A>C, p.Lys192Asn (NM_003276.2); c.565+995A>C (NM_001307975.2, NM_001032284.3); short protein forms K192N.
Identifiers: ClinVar variation 2704851 (VCV002704851.3), dbSNP rs1056300777, ClinGen allele CA386151365.
Genomic context (GRCh38, chr12:98,532,833, plus strand): 5'-AGCTCAAACACAGGTAATGCTTAAACTTCCTGCCTCTTTTGCCTCTACAGGAAAGAAGAA[A>C]GAACACAAGAAAGTGAAGTCCACTAGGGATATTGTTCCTTTTTCTGAACTTGGAACTACT-3'